The following is an entry in ClinVar:

ClinVar aggregate classification (germline): Benign/Likely benign. Review status: criteria provided, multiple submitters, no conflicts (2 of 4 stars). 7 submissions from 7 submitters: Benign (2); Likely benign (5). Last evaluated 2025-12-03.

Conditions:
Lymphangiomyomatosis (LAM). Also called: Lymphangioleiomyomatosis; Lymphangioleiomyomatosis, somatic. Identifiers: Orphanet 538, MedGen C0751674, MONDO:0011705, OMIM 606690.
Isolated focal cortical dysplasia type II (FCORD2). Also called: Focal cortical dysplasia type II; CORTICAL DYSPLASIA OF TAYLOR. Identifiers: Orphanet 268994, MedGen C1846385, MONDO:0011818, OMIM 607341, HP:0032051.
Tuberous sclerosis 2 (TSC2). Identifiers: Orphanet 805, MedGen C1860707, MONDO:0013199, OMIM 613254.
Hereditary cancer-predisposing syndrome. Also called: Tumor predisposition; Neoplastic Syndromes, Hereditary; Hereditary Cancer Syndrome; Hereditary neoplastic syndrome. Identifiers: Orphanet 140162, MedGen C0027672, MeSH D009386, MONDO:0015356.
Tuberous sclerosis syndrome (TSC). Also called: Tuberous Sclerosis Complex; Tuberous sclerosis. Identifiers: Orphanet 805, MedGen C0041341, MONDO:0001734.

Allele frequency attached by ClinVar (database versions not stated): gnomAD exomes 0.00001; ExAC 0.00002; gnomAD 0.00003; TOPMed 0.00003.
gnomAD v4.1: 19 of 1,598,720 alleles (0.0012%); highest among the groups gnomAD compares: African/African-American, 0.0027%; no homozygotes.

Submissions (7):

Labcorp Genetics (formerly Invitae), Labcorp
Classification: Likely benign for Tuberous sclerosis 2. Last evaluated: 2025-12-03. Review status: criteria provided, single submitter. Criteria: Invitae Variant Classification Sherloc (09022015). Collection method: clinical testing. Allele origin: germline.

Myriad Genetics, Inc.
Classification: Benign for Tuberous sclerosis 2. Last evaluated: 2025-06-03. Review status: criteria provided, single submitter. Criteria: Myriad Autosomal Dominant, Autosomal Recessive and X-Linked Classification Criteria (2023). Collection method: clinical testing. Allele origin: unknown.
Comment: This variant is considered benign. This variant is a silent/synonymous amino acid change and it is not expected to impact splicing.

All of Us Research Program, National Institutes of Health
Classification: Likely benign for Tuberous sclerosis syndrome. Last evaluated: 2023-10-23. Review status: criteria provided, single submitter. Criteria: ACMG Guidelines, 2015. Collection method: clinical testing. Allele origin: germline. Inheritance: Autosomal dominant inheritance. Observed: 1 variant allele, 1 heterozygote.
Comment: This study involves interpretation of variants in research participants for the purpose of population health screening. Participant phenotype was not available at the time of variant classification. Additional details can be found in publication PMID: 35346344, PMCID: PMC8962531

Fulgent Genetics
Classification: Likely benign for Lymphangiomyomatosis; Isolated focal cortical dysplasia type II; Tuberous sclerosis 2. Last evaluated: 2021-12-03. Review status: criteria provided, single submitter. Criteria: ACMG Guidelines, 2015. Collection method: clinical testing. Allele origin: unknown.

Genome-Nilou Lab
Classification: Benign for Tuberous sclerosis 2. Last evaluated: 2021-11-07. Review status: criteria provided, single submitter. Criteria: ACMG Guidelines, 2015. Collection method: clinical testing. Allele origin: germline. Affected: no.

GeneDx
Classification: Likely benign. Last evaluated: 2020-02-17. Review status: criteria provided, single submitter. Criteria: GeneDx Variant Classification Process June 2021. Collection method: clinical testing. Allele origin: germline. Affected: yes.

Ambry Genetics
Classification: Likely benign for Hereditary cancer-predisposing syndrome. Last evaluated: 2019-05-20. Review status: criteria provided, single submitter. Criteria: Ambry Variant Classification Scheme 2023. Collection method: clinical testing. Allele origin: germline.

NM_000548.5(TSC2):c.4446C>T (p.Ser1482=)

Gene: TSC2 (TSC complex subunit 2; plus strand). Cytogenetic location: 16p13.3.
Variant type: single nucleotide variant.
Coding change: c.4446C>T on transcript NM_000548.5 (MANE Select); coding-DNA position 4446, C replaced by T.
Protein change: p.Ser1482=; no amino-acid change (serine 1482 retained).
Molecular consequence: synonymous variant.
Genome position (GRCh38, 1-based): chr16:2,084,668, C>T. VCF-style: chr16-2084668-C-T. GRCh37 (hg19) VCF-style: chr16-2134669-C-T.
Other names: c.4245C>T, p.Ser1415= (NM_001077183.3); c.4377C>T, p.Ser1459= (NM_001114382.3); c.4137C>T, p.Ser1379= (NM_001318827.2); c.4101C>T, p.Ser1367= (NM_001318829.2); c.3714C>T, p.Ser1238= (NM_001318831.2); c.4278C>T, p.Ser1426= (NM_001318832.2); c.4248C>T, p.Ser1416= (NM_001363528.2); c.4314C>T, p.Ser1438= (NM_001370404.1); and 1 more.
Identifiers: ClinVar variation 413755 (VCV000413755.23), dbSNP rs780955293, ClinGen allele CA051162.